The following is an entry in ClinVar:

ClinVar aggregate classification (germline): Likely benign. Review status: criteria provided, single submitter (1 of 4 stars). 2 submissions from 2 submitters: Likely benign (1). 1 of the submissions does not count toward it. Last evaluated 2022-11-28.

Conditions:
PCNT-related disorder. Also called: PCNT-related condition.

Allele frequency attached by ClinVar (database versions not stated): ExAC 0.00003.
gnomAD v4.1: 5 of 1,614,086 alleles (0.00031%); highest among the groups gnomAD compares: Non-Finnish European, 0.000085%; no homozygotes.

Submissions (2):

Labcorp Genetics (formerly Invitae), Labcorp
Classification: Likely benign. Last evaluated: 2022-11-28. Review status: criteria provided, single submitter. Criteria: Invitae Variant Classification Sherloc (09022015). Collection method: clinical testing. Allele origin: germline.

PreventionGenetics, part of Exact Sciences
Classification: Likely benign for PCNT-related condition. Last evaluated: 2024-06-08. Review status: no assertion criteria provided. Collection method: clinical testing. Allele origin: germline. Not counted in ClinVar's aggregate classification.
Comment: This variant is classified as likely benign based on ACMG/AMP sequence variant interpretation guidelines (Richards et al. 2015 PMID: 25741868, with internal and published modifications).

NM_006031.6(PCNT):c.5292C>T (p.Ser1764=)

Gene: PCNT (pericentrin; plus strand). Cytogenetic location: 21q22.3.
Variant type: single nucleotide variant.
Coding change: c.5292C>T on transcript NM_006031.6 (MANE Select); coding-DNA position 5292, C replaced by T.
Protein change: p.Ser1764=; no amino-acid change (serine 1764 retained).
Molecular consequence: synonymous variant.
Genome position (GRCh38, 1-based): chr21:46,411,365, C>T. VCF-style: chr21-46411365-C-T. GRCh37 (hg19) VCF-style: chr21-47831279-C-T.
Other names: c.4938C>T, p.Ser1646= (NM_001315529.2); c.5292C>T (NM_006031.5).
Identifiers: ClinVar variation 2880611 (VCV002880611.4), dbSNP rs773113520, ClinGen allele CA10079936.